The following is an entry in ClinVar:

ClinVar aggregate classification (germline): Conflicting classifications of pathogenicity. Review status: criteria provided, conflicting classifications (1 of 4 stars). 4 submissions from 4 submitters: Uncertain significance (2); Benign (1); Likely benign (1). Last evaluated 2024-09-13.

Conditions:
Inborn genetic diseases. Identifiers: MedGen C0950123, MeSH D030342.
Microcephaly and chorioretinopathy 1. Also called: Microcephaly and chorioretinopathy, autosomal recessive, 1. Identifiers: MedGen C3278481, MONDO:0009624, OMIM 251270.

Allele frequency attached by ClinVar (database versions not stated): gnomAD exomes 0.00003 and 0.00008; ExAC 0.00009; gnomAD 0.00034; TOPMed 0.00036; ESP Exome Variant Server 0.00038; 1000 Genomes Project 0.00040; 1000 Genomes Project 30x 0.00062.

Submissions (4):

Blueprint Genetics
Classification: Benign. Last evaluated: 2024-09-13. Review status: criteria provided, single submitter. Criteria: ACMG Guidelines, 2015. Collection method: clinical testing. Allele origin: germline.

Labcorp Genetics (formerly Invitae), Labcorp
Classification: Uncertain significance. Last evaluated: 2023-12-07. Review status: criteria provided, single submitter. Criteria: Invitae Variant Classification Sherloc (09022015). Collection method: clinical testing. Allele origin: germline.
Comment: This sequence change replaces glutamic acid, which is acidic and polar, with lysine, which is basic and polar, at codon 1015 of the TUBGCP6 protein (p.Glu1015Lys). This variant is present in population databases (rs149701689, gnomAD 0.1%). This variant has not been reported in the literature in individuals affected with TUBGCP6-related conditions. ClinVar contains an entry for this variant (Variation ID: 966786). Algorithms developed to predict the effect of missense changes on protein structure and function output the following: SIFT: "Not Available"; PolyPhen-2: "Benign"; Align-GVGD: "Not Available". The lysine amino acid residue is found in multiple mammalian species, which suggests that this missense change does not adversely affect protein function. In summary, the available evidence is currently insufficient to determine the role of this variant in disease. Therefore, it has been classified as a Variant of Uncertain Significance.

Ambry Genetics
Classification: Likely benign for Inborn genetic diseases. Last evaluated: 2023-05-09. Review status: criteria provided, single submitter. Criteria: Ambry Variant Classification Scheme 2023. Collection method: clinical testing. Allele origin: germline.

Fulgent Genetics
Classification: Uncertain significance for Microcephaly and chorioretinopathy 1. Last evaluated: 2021-08-11. Review status: criteria provided, single submitter. Criteria: ACMG Guidelines, 2015. Collection method: clinical testing. Allele origin: unknown.

NM_020461.4(TUBGCP6):c.3043G>A (p.Glu1015Lys)

Gene: TUBGCP6 (tubulin gamma complex component 6; minus strand). Cytogenetic location: 22q13.33.
Variant type: single nucleotide variant.
Coding change: c.3043G>A on transcript NM_020461.4 (MANE Select); coding-DNA position 3043, G replaced by A.
Protein change: p.Glu1015Lys; replaces glutamic acid 1015 with lysine.
Molecular consequence: missense variant.
Genome position (GRCh38, 1-based): chr22:50,221,316, C>T on the plus strand (G>A on the coding strand, the complement: TUBGCP6 is on the minus strand). VCF-style: chr22-50221316-C-T. GRCh37 (hg19) VCF-style: chr22-50659745-C-T.
Other names: short protein forms E1015K.
Identifiers: ClinVar variation 966786 (VCV000966786.10), dbSNP rs149701689, ClinGen allele CA10308065.
Genomic context (GRCh38, chr22:50,221,316, plus strand): 5'-GAAGACCACCCCCTGACACCTGCCCAAAGAGCCGCTCTGTGGGCTGGCTGCTCCCCTCCT[C>T]CAGAGCAGCACGCCTGGGTGGGTGTGAGGGGAGCAGAGTCTCCCGCGAGGCGGAGCCACA-3'
Protein context (NP_065194.3, residues 1005-1025): PSHPPRRAAL[Glu1015Lys]EGSSQPTERL